The following is an entry in ClinVar:

ClinVar aggregate classification (germline): Uncertain significance. Review status: criteria provided, multiple submitters, no conflicts (2 of 4 stars). 6 submissions from 4 submitters: Uncertain significance (6). Last evaluated 2026-09-23.

Conditions:
Hereditary spastic paraplegia. Also called: Familial spastic paraparesis. Identifiers: Orphanet 685, MedGen C0037773, MONDO:0019064. Disease mechanism: loss of function.
Hereditary spastic paraplegia 11. Also called: Spastic paraplegia, mental retardation and thin corpus callosum; SPASTIC PARAPLEGIA, AUTOSOMAL RECESSIVE, COMPLICATED, WITH THIN CORPUS CALLOSUM; SPASTIC PARAPLEGIA, AUTOSOMAL RECESSIVE, WITH MENTAL IMPAIRMENT AND THIN CORPUS CALLOSUM; Nakamura Osame syndrome; Autosomal recessive hereditary spastic paraplegia, mental impairment, and thin corpus callosum; Spastic Paraplegia 11. Identifiers: Orphanet 2822, MedGen C1858479, MONDO:0011445, OMIM 604360.
SPG11-related disorder. Also called: SPG11-related condition.
Charcot-Marie-Tooth disease axonal type 2X. Also called: CHARCOT-MARIE-TOOTH DISEASE, AXONAL, AUTOSOMAL RECESSIVE, TYPE 2X; CHARCOT-MARIE-TOOTH NEUROPATHY, TYPE 2X. Identifiers: Orphanet 466775, MedGen C5569024, MONDO:0014726, OMIM 616668.
Amyotrophic lateral sclerosis type 5 (ALS5). Also called: AMYOTROPHIC LATERAL SCLEROSIS 5, JUVENILE. Identifiers: Orphanet 300605, MedGen C1865864, MONDO:0011196, OMIM 602099.

Allele frequency attached by ClinVar (database versions not stated): TOPMed below 0.00001; gnomAD 0.00001; gnomAD exomes 0.00001.
gnomAD v4.1: 5 of 1,613,834 alleles (0.00031%); no homozygotes.

Submissions (6):

PreventionGenetics, part of Exact Sciences
Classification: Uncertain significance for SPG11-related condition. Last evaluated: 2026-09-23. Review status: criteria provided, single submitter. Criteria: ACMG Guidelines, 2015. Collection method: clinical testing. Allele origin: germline.
Comment: The SPG11 c.6881T>C variant is predicted to result in the amino acid substitution p.Leu2294Pro. This variant has been reported along with a causative variant in SPG11 in an individual with spastic paraplegia (Suppl. data, Chrestian et al. 2017. PubMed ID: 27957547). This variant is reported in 0.029% of alleles in individuals of Ashkenazi Jewish descent in gnomAD. Although we suspect that this variant may be pathogenic, at this time, the clinical significance of this variant is uncertain due to the absence of conclusive functional and genetic evidence.

Labcorp Genetics (formerly Invitae), Labcorp
Classification: Uncertain significance for Hereditary spastic paraplegia 11. Last evaluated: 2022-01-20. Review status: criteria provided, single submitter. Criteria: Invitae Variant Classification Sherloc (09022015). Collection method: clinical testing. Allele origin: germline.
Comment: This sequence change replaces leucine, which is neutral and non-polar, with proline, which is neutral and non-polar, at codon 2294 of the SPG11 protein (p.Leu2294Pro). This variant is present in population databases (no rsID available, gnomAD 0.03%). This missense change has been observed in individuals with clinical features of hereditary spastic paraplegia (PMID: 27957547; Invitae). ClinVar contains an entry for this variant (Variation ID: 834690). Algorithms developed to predict the effect of missense changes on protein structure and function are either unavailable or do not agree on the potential impact of this missense change (SIFT: "Deleterious"; PolyPhen-2: "Probably Damaging"; Align-GVGD: "Class C15"). In summary, the available evidence is currently insufficient to determine the role of this variant in disease. Therefore, it has been classified as a Variant of Uncertain Significance.

Genome Diagnostics Laboratory, The Hospital for Sick Children
Classification: Uncertain significance for Hereditary spastic paraplegia. Last evaluated: 2021-11-02. Review status: criteria provided, single submitter. Criteria: ACMG Guidelines, 2015. Collection method: clinical testing. Allele origin: germline. Affected: yes.

Genome-Nilou Lab
Classification: Uncertain significance for Amyotrophic lateral sclerosis type 5. Review status: criteria provided, single submitter. Criteria: ACMG Guidelines, 2015. Collection method: clinical testing. Allele origin: germline.

Genome-Nilou Lab
Classification: Uncertain significance for Charcot-Marie-Tooth disease axonal type 2X. Review status: criteria provided, single submitter. Criteria: ACMG Guidelines, 2015. Collection method: clinical testing. Allele origin: germline.

Genome-Nilou Lab
Classification: Uncertain significance for Hereditary spastic paraplegia 11. Review status: criteria provided, single submitter. Criteria: ACMG Guidelines, 2015. Collection method: clinical testing. Allele origin: germline.

Literature cited by the submitters: PubMed 27957547 (cited by Labcorp Genetics (formerly Invitae), Labcorp).

NM_025137.4(SPG11):c.6881T>C (p.Leu2294Pro)

Gene: SPG11 (SPG11 vesicle trafficking associated, spatacsin; minus strand). Cytogenetic location: 15q21.1.
Variant type: single nucleotide variant.
Coding change: c.6881T>C on transcript NM_025137.4 (MANE Select); coding-DNA position 6881, T replaced by C.
Protein change: p.Leu2294Pro; replaces leucine 2294 with proline.
Molecular consequence: missense variant.
Genome position (GRCh38, 1-based): chr15:44,565,972, A>G on the plus strand (T>C on the coding strand, the complement: SPG11 is on the minus strand). VCF-style: chr15-44565972-A-G. GRCh37 (hg19) VCF-style: chr15-44858170-A-G.
Other names: c.6542T>C, p.Leu2181Pro (NM_001160227.2); short protein forms L2294P, L2181P.
Identifiers: ClinVar variation 834690 (VCV000834690.12), dbSNP rs1275110844, ClinGen allele CA392213321.